The following is an entry in ClinVar:

ClinVar aggregate classification (germline): Uncertain significance (1 of 4 stars; one submission).

gnomAD v4.1: 7 of 1,614,050 alleles (0.00043%); highest among the groups gnomAD compares: Non-Finnish European, 0.00025%; no homozygotes.

Submission:

Labcorp Genetics (formerly Invitae), Labcorp
Classification: Uncertain significance. Last evaluated: 2025-06-15. Review status: criteria provided, single submitter. Criteria: Invitae Variant Classification Sherloc (09022015). Collection method: clinical testing. Allele origin: germline.
Comment: This sequence change replaces tyrosine, which is neutral and polar, with histidine, which is basic and polar, at codon 2683 of the KMT2A protein (p.Tyr2683His). This variant is present in population databases (no rsID available, gnomAD 0.01%). This variant has not been reported in the literature in individuals affected with KMT2A-related conditions. Invitae Evidence Modeling of protein sequence and biophysical properties (such as structural, functional, and spatial information, amino acid conservation, physicochemical variation, residue mobility, and thermodynamic stability) indicates that this missense variant is not expected to disrupt KMT2A protein function with a negative predictive value of 95%. In summary, the available evidence is currently insufficient to determine the role of this variant in disease. Therefore, it has been classified as a Variant of Uncertain Significance.

NM_001197104.2(KMT2A):c.8047T>C (p.Tyr2683His)

Gene: KMT2A (lysine methyltransferase 2A; plus strand). Cytogenetic location: 11q23.3.
Variant type: single nucleotide variant.
Coding change: c.8047T>C on transcript NM_001197104.2 (MANE Select); coding-DNA position 8047, T replaced by C.
Protein change: p.Tyr2683His; replaces tyrosine 2683 with histidine.
Molecular consequence: missense variant.
Genome position (GRCh38, 1-based): chr11:118,503,939, T>C. VCF-style: chr11-118503939-T-C. GRCh37 (hg19) VCF-style: chr11-118374654-T-C.
Other names: c.8137T>C, p.Tyr2713His (NM_001412597.1); c.8038T>C, p.Tyr2680His (NM_005933.4); short protein forms Y2680H, Y2683H, Y2713H.
Identifiers: ClinVar variation 4705943 (VCV004705943.1).